The following is an entry in ClinVar:

ClinVar aggregate classification (germline): Uncertain significance. Review status: criteria provided, multiple submitters, no conflicts (2 of 4 stars). 2 submissions from 2 submitters: Uncertain significance (2). Last evaluated 2022-04-24.

Conditions:
Hereditary cancer-predisposing syndrome. Also called: Hereditary neoplastic syndrome; Neoplastic Syndromes, Hereditary; Tumor predisposition; Hereditary Cancer Syndrome. Identifiers: Orphanet 140162, MedGen C0027672, MeSH D009386, MONDO:0015356.
Fanconi anemia (FA). Also called: Fanconi's anemia. Identifiers: Orphanet 84, MedGen C0015625, MeSH D005199, MONDO:0019391.

Allele frequency attached by ClinVar (database versions not stated): gnomAD exomes 0.00001 and 0.00003; ExAC 0.00003; gnomAD 0.00003; 1000 Genomes Project 30x 0.00016; 1000 Genomes Project 0.00020.
gnomAD v4.1: 19 of 1,613,504 alleles (0.0012%); highest among the groups gnomAD compares: South Asian, 0.021%; no homozygotes.

Submissions (2):

Ambry Genetics
Classification: Uncertain significance for Hereditary cancer-predisposing syndrome. Last evaluated: 2022-04-24. Review status: criteria provided, single submitter. Criteria: Ambry Variant Classification Scheme 2023. Collection method: clinical testing. Allele origin: germline.
Comment: The p.A301E variant (also known as c.902C>A), located in coding exon 9 of the FANCC gene, results from a C to A substitution at nucleotide position 902. The alanine at codon 301 is replaced by glutamic acid, an amino acid with dissimilar properties. This amino acid position is conserved. In addition, the in silico prediction for this alteration is inconclusive. Since supporting evidence is limited at this time, the clinical significance of this alteration remains unclear.

Labcorp Genetics (formerly Invitae), Labcorp
Classification: Uncertain significance for Fanconi anemia. Last evaluated: 2021-08-30. Review status: criteria provided, single submitter. Criteria: Invitae Variant Classification Sherloc (09022015). Collection method: clinical testing. Allele origin: germline.
Comment: This sequence change replaces alanine with glutamic acid at codon 301 of the FANCC protein (p.Ala301Glu). The alanine residue is moderately conserved and there is a moderate physicochemical difference between alanine and glutamic acid. This variant is present in population databases (rs553689536, ExAC 0.02%). This variant has not been reported in the literature in individuals affected with FANCC-related conditions. Algorithms developed to predict the effect of missense changes on protein structure and function are either unavailable or do not agree on the potential impact of this missense change (SIFT: "Tolerated"; PolyPhen-2: "Probably Damaging"; Align-GVGD: "Class C15"). In summary, the available evidence is currently insufficient to determine the role of this variant in disease. Therefore, it has been classified as a Variant of Uncertain Significance.

NM_000136.3(FANCC):c.902C>A (p.Ala301Glu)

Genes: AOPEP (aminopeptidase O (putative); plus strand), FANCC (FA complementation group C; minus strand). Cytogenetic location: 9q22.32.
Variant type: single nucleotide variant.
Coding change: c.902C>A on transcript NM_000136.3 (MANE Select); coding-DNA position 902, C replaced by A.
Protein change: p.Ala301Glu; replaces alanine 301 with glutamic acid.
Molecular consequence: missense variant.
Genome position (GRCh38, 1-based): chr9:95,125,180, G>T on the plus strand (C>A on the coding strand, the complement: FANCC is on the minus strand). VCF-style: chr9-95125180-G-T. GRCh37 (hg19) VCF-style: chr9-97887462-G-T.
Other names: c.902C>A, p.Ala301Glu (NM_001243743.2, NM_001243744.2); short protein forms A301E.
Identifiers: ClinVar variation 1510210 (VCV001510210.7), dbSNP rs553689536, ClinGen allele CA5137582.